The following is an entry in ClinVar:

ClinVar aggregate classification (germline): Pathogenic (1 of 4 stars; one submission).

Conditions:
Episodic ataxia type 2 (EA2). Also called: ATAXIA, EPISODIC, WITH NYSTAGMUS; ATAXIA, FAMILIAL PAROXYSMAL; CEREBELLAR ATAXIA, PAROXYSMAL, ACETAZOLAMIDE-RESPONSIVE; CEREBELLOPATHY, HEREDITARY PAROXYSMAL; EPISODIC ATAXIA, NYSTAGMUS-ASSOCIATED; ACETAZOLAMIDE-RESPONSIVE HEREDITARY PAROXYSMAL CEREBELLAR ATAXIA. Identifiers: Orphanet 97, MedGen C1720416, MONDO:0007163, OMIM 108500.
Developmental and epileptic encephalopathy, 42 (DEE42A). Also called: DEVELOPMENTAL AND EPILEPTIC ENCEPHALOPATHY 42A; EPILEPTIC ENCEPHALOPATHY, EARLY INFANTILE, 42A; Epileptic encephalopathy, early infantile, 42. Identifiers: MedGen C4310716, MONDO:0014917, OMIM 617106.

Submission:

Labcorp Genetics (formerly Invitae), Labcorp
Classification: Pathogenic for Developmental and epileptic encephalopathy, 42; Episodic ataxia type 2. Last evaluated: 2023-01-07. Review status: criteria provided, single submitter. Criteria: Invitae Variant Classification Sherloc (09022015). Collection method: clinical testing. Allele origin: unknown.
Comment: For these reasons, this variant has been classified as Pathogenic. This variant has not been reported in the literature in individuals affected with CACNA1A-related conditions. This variant is a gross deletion of the genomic region encompassing exon(s) 24 of the CACNA1A gene. This deletion is out-of-frame, and is expected to create a premature termination codon and result in an absent or disrupted protein product. Loss-of-function variants in CACNA1A are known to be pathogenic (PMID: 10371528, 19486177, 25735478, 27250579).

Literature cited by the submitters: PubMed 10371528; PubMed 19486177; PubMed 25735478; PubMed 27250579.

NC_000019.9:g.(?_13386644)_(13386790_?)del

Gene: CACNA1A (calcium voltage-gated channel subunit alpha1 A; minus strand). Cytogenetic location: 19p13.2.
Variant type: Deletion.
Identifiers: ClinVar variation 3248495 (VCV003248495.1).